The following is an entry in ClinVar:

ClinVar aggregate classification (germline): Uncertain significance. Review status: criteria provided, single submitter (1 of 4 stars). 2 submissions from 2 submitters: Uncertain significance (1). 1 of the submissions does not count toward it. Last evaluated 2022-11-18.

Conditions:
UCP3-related disorder. Also called: UCP3-related condition.

Allele frequency attached by ClinVar (database versions not stated): gnomAD 0.00005; TOPMed 0.00009; ExAC 0.00013; ESP Exome Variant Server 0.00015.

Submissions (2):

Ambry Genetics
Classification: Uncertain significance. Last evaluated: 2022-11-18. Review status: criteria provided, single submitter. Criteria: Ambry Variant Classification Scheme 2023. Collection method: clinical testing. Allele origin: germline.

PreventionGenetics, part of Exact Sciences
Classification: Uncertain significance for UCP3-related condition. Last evaluated: 2023-12-28. Review status: no assertion criteria provided. Collection method: clinical testing. Allele origin: germline. Not counted in ClinVar's aggregate classification.
Comment: The UCP3 c.283C>T variant is predicted to result in the amino acid substitution p.Arg95Cys. To our knowledge, this variant has not been reported in the literature. This variant is reported in 0.090% of alleles in individuals of East Asian descent in gnomAD. Although we suspect this variant may be benign, at this time its clinical significance is uncertain due to the absence of conclusive functional and genetic evidence.

NM_003356.4(UCP3):c.283C>T (p.Arg95Cys)

Gene: UCP3 (uncoupling protein 3; minus strand). Cytogenetic location: 11q13.4.
Variant type: single nucleotide variant.
Coding change: c.283C>T on transcript NM_003356.4 (MANE Select); coding-DNA position 283, C replaced by T.
Protein change: p.Arg95Cys; replaces arginine 95 with cysteine.
Molecular consequence: missense variant.
Genome position (GRCh38, 1-based): chr11:74,006,223, G>A on the plus strand (C>T on the coding strand, the complement: UCP3 is on the minus strand). VCF-style: chr11-74006223-G-A. GRCh37 (hg19) VCF-style: chr11-73717268-G-A.
Other names: c.283C>T, p.Arg95Cys (NM_022803.3); short protein forms R95C.
Identifiers: ClinVar variation 2409268 (VCV002409268.5), dbSNP rs375772981, ClinGen allele CA6181561.